The following is an entry in ClinVar:

NM_170707.4(LMNA):c.1325T>C (p.Val442Ala)

Gene: LMNA (lamin A/C; plus strand). Cytogenetic location: 1q22.
Variant type: single nucleotide variant.
Coding change: c.1325T>C on transcript NM_170707.4 (MANE Select); coding-DNA position 1325, T replaced by C.
Protein change: p.Val442Ala; replaces valine 442 with alanine.
Molecular consequence: missense variant.
Genome position (GRCh38, 1-based): chr1:156,136,381, T>C. VCF-style: chr1-156136381-T-C. GRCh37 (hg19) VCF-style: chr1-156106172-T-C.
Other names: c.989T>C, p.Val330Ala (NM_001257374.3); c.1082T>C, p.Val361Ala (NM_001282624.2); c.1325T>C, p.Val442Ala (NM_001282625.2, NM_001282626.2, NM_005572.4 and 1 more transcripts); short protein forms V361A, V330A, V442A.
Identifiers: ClinVar variation 1371836 (VCV001371836.6), dbSNP rs2102891062, ClinGen allele CA342821976.
Genomic context (GRCh38, chr1:156,136,381, plus strand): 5'-AGTCCACTGAGAGCCGCAGCAGCTTCTCACAGCACGCACGCACTAGCGGGCGCGTGGCCG[T>C]GGAGGAGGTGGATGAGGAGGGCAAGTTTGTCCGGCTGCGCAACAAGTCCAATGAGGTAGG-3'
Protein context (NP_733821.1, residues 432-452): QHARTSGRVA[Val442Ala]EEVDEEGKFV

ClinVar aggregate classification (germline): Uncertain significance (1 of 4 stars; one submission).

Conditions:
Charcot-Marie-Tooth disease type 2. Also called: Charcot-Marie-Tooth type 2. Identifiers: Orphanet 64746, MedGen C0270914, MONDO:0018993.

Submission:

Labcorp Genetics (formerly Invitae), Labcorp
Classification: Uncertain significance for Charcot-Marie-Tooth disease type 2. Last evaluated: 2022-06-13. Review status: criteria provided, single submitter. Criteria: Invitae Variant Classification Sherloc (09022015). Collection method: clinical testing. Allele origin: germline.
Comment: In summary, the available evidence is currently insufficient to determine the role of this variant in disease. Therefore, it has been classified as a Variant of Uncertain Significance. Algorithms developed to predict the effect of missense changes on protein structure and function (SIFT, PolyPhen-2, Align-GVGD) all suggest that this variant is likely to be disruptive. This missense change has been observed in individual(s) with muscular dystrophy (PMID: 31069529). This variant is not present in population databases (gnomAD no frequency). This sequence change replaces valine, which is neutral and non-polar, with alanine, which is neutral and non-polar, at codon 442 of the LMNA protein (p.Val442Ala).

Literature cited by the submitters: PubMed 31069529.